The following is an entry in ClinVar:

ClinVar aggregate classification (germline): Uncertain significance (1 of 4 stars; one submission).

Conditions:
Usher syndrome type 3B. Also called: USHER SYNDROME, TYPE IIIB. Identifiers: MedGen C3281066, MONDO:0013788, OMIM 614504.

Submission:

Labcorp Genetics (formerly Invitae), Labcorp
Classification: Uncertain significance for Usher syndrome type 3B. Last evaluated: 2024-10-24. Review status: criteria provided, single submitter. Criteria: Invitae Variant Classification Sherloc (09022015). Collection method: clinical testing. Allele origin: germline.
Comment: This variant, c.101_103del, results in the deletion of 1 amino acid(s) of the HARS protein (p.Glu34del), but otherwise preserves the integrity of the reading frame. This variant is not present in population databases (gnomAD no frequency). This variant has not been reported in the literature in individuals affected with HARS-related conditions. Experimental studies and prediction algorithms are not available or were not evaluated, and the functional significance of this variant is currently unknown. In summary, the available evidence is currently insufficient to determine the role of this variant in disease. Therefore, it has been classified as a Variant of Uncertain Significance.

NM_002109.6(HARS1):c.95AGG[2] (p.Glu34del)

Gene: HARS1 (histidyl-tRNA synthetase 1; minus strand). Cytogenetic location: 5q31.3.
Variant type: Microsatellite.
Coding change: c.95AGG[2] on transcript NM_002109.6 (MANE Select); two copies in a row of the 3-base unit AGG starting at c.95; the reference has three copies in a row; one copy, 3 bases deleted.
Protein change: p.Glu34del; deletes glutamic acid 34.
Molecular consequence: inframe deletion.
Genome position (GRCh38, 1-based): chr5:140,690,932-140,690,934, CCT deleted on the plus strand (AGG on the coding strand, the reverse complement: HARS1 is on the minus strand); deleting any 3 consecutive bases within chr5:140,690,932-140,690,941 gives the same sequence; the position shown is the placement nearest the transcript's 3' end. VCF-style (leftmost placement, unchanged base first): chr5-140690931-ACCT-A. GRCh37 (hg19) VCF-style: chr5-140070516-ACCT-A.
Other names: c.95AGG[2], p.Glu34del (NM_001258040.3, NM_001258041.3, NM_001258042.3 and 2 more transcripts); c.8AGG[2], p.Glu5del (NM_001289094.2); short protein forms E34del, E5del.
Identifiers: ClinVar variation 1059328 (VCV001059328.9), dbSNP rs962526639, ClinGen allele CA128339847.